The following is an entry in ClinVar:

NM_001330723.2(SNX27):c.1048G>A (p.Val350Met)

Gene: SNX27 (sorting nexin 27; plus strand). Cytogenetic location: 1q21.3.
Variant type: single nucleotide variant.
Coding change: c.1048G>A on transcript NM_001330723.2 (MANE Select); coding-DNA position 1048, G replaced by A.
Protein change: p.Val350Met; replaces valine 350 with methionine.
Molecular consequence: missense variant.
Genome position (GRCh38, 1-based): chr1:151,668,534, G>A. VCF-style: chr1-151668534-G-A. GRCh37 (hg19) VCF-style: chr1-151641010-G-A.
Other names: c.1048G>A, p.Val350Met (NM_030918.6); short protein forms V350M.
Identifiers: ClinVar variation 1490663 (VCV001490663.6), dbSNP rs947126545, ClinGen allele CA341966115.

ClinVar aggregate classification (germline): Uncertain significance (1 of 4 stars; one submission).

Conditions:
Severe myoclonic epilepsy in infancy (DRVT). Also called: Epileptic encephalopathy, early infantile, 6 (Dravet syndrome); Dravet syndrome; SEVERE MYOCLONIC EPILEPSY OF INFANCY; DEVELOPMENTAL AND EPILEPTIC ENCEPHALOPATHY 6A; Severe Myoclonic Epilepsy in Infancy (SMEI). Identifiers: Orphanet 33069, MedGen C0751122, MONDO:0100135, OMIM 607208.

Allele frequency attached by ClinVar (database versions not stated): gnomAD exomes below 0.00001.
gnomAD v4.1: 1 of 1,613,988 alleles (0.000062%); highest among the groups gnomAD compares: East Asian, 0.0022%; no homozygotes.

Submission:

Labcorp Genetics (formerly Invitae), Labcorp
Classification: Uncertain significance for Severe myoclonic epilepsy in infancy. Last evaluated: 2022-10-05. Review status: criteria provided, single submitter. Criteria: Invitae Variant Classification Sherloc (09022015). Collection method: clinical testing. Allele origin: germline.
Comment: In summary, the available evidence is currently insufficient to determine the role of this variant in disease. Therefore, it has been classified as a Variant of Uncertain Significance. Algorithms developed to predict the effect of missense changes on protein structure and function are either unavailable or do not agree on the potential impact of this missense change (SIFT: "Deleterious"; PolyPhen-2: "Possibly Damaging"; Align-GVGD: "Class C15"). ClinVar contains an entry for this variant (Variation ID: 1490663). This variant has not been reported in the literature in individuals affected with SNX27-related conditions. This variant is present in population databases (no rsID available, gnomAD 0.006%). This sequence change replaces valine, which is neutral and non-polar, with methionine, which is neutral and non-polar, at codon 350 of the SNX27 protein (p.Val350Met).